The following is an entry in ClinVar:

ClinVar aggregate classification (germline): Uncertain significance (1 of 4 stars; one submission).

gnomAD v4.1: 2 of 1,613,766 alleles (0.00012%); highest among the groups gnomAD compares: Non-Finnish European, 0.00017%; no homozygotes.

Submission:

Labcorp Genetics (formerly Invitae), Labcorp
Classification: Uncertain significance. Last evaluated: 2022-10-04. Review status: criteria provided, single submitter. Criteria: Invitae Variant Classification Sherloc (09022015). Collection method: clinical testing. Allele origin: germline.
Comment: The COL18A1 gene has multiple clinically relevant transcripts. This variant occurs in alternate transcript NM_030582.4, and corresponds to NM_130445.3:c.107-12491C>A in the primary transcript. This sequence change replaces alanine, which is neutral and non-polar, with glutamic acid, which is acidic and polar, at codon 74 of the COL18A1 protein ( p.Ala74Glu). This variant is not present in population databases (gnomAD no frequency). This variant has not been reported in the literature in individuals affected with COL18A1-related conditions. ClinVar contains an entry for this variant (Variation ID: 1449227). Experimental studies and prediction algorithms are not available or were not evaluated, and the functional significance of this variant is currently unknown. In summary, the available evidence is currently insufficient to determine the role of this variant in disease. Therefore, it has been classified as a Variant of Uncertain Significance.

NM_001379500.1(COL18A1):c.107-12491C>A

Gene: COL18A1 (collagen type XVIII alpha 1 chain; plus strand). Cytogenetic location: 21q22.3.
Variant type: single nucleotide variant.
Coding change: c.107-12491C>A on transcript NM_001379500.1 (MANE Select); 12491 bases into the intron before coding-DNA position 107, C replaced by A.
Molecular consequence: intron variant. On other transcripts: missense variant (2).
Genome position (GRCh38, 1-based): chr21:45,455,751, C>A. VCF-style: chr21-45455751-C-A. GRCh37 (hg19) VCF-style: chr21-46875665-C-A.
Other names: c.221C>A, p.Ala74Glu (NM_030582.4, NM_130444.3); short protein forms A74E.
Identifiers: ClinVar variation 1449227 (VCV001449227.6), dbSNP rs749001958, ClinGen allele CA410505384.